The following is an entry in ClinVar:

NC_000011.9:g.(?_128781169)_(128786626_?)dup

Gene: KCNJ5 (potassium inwardly rectifying channel subfamily J member 5; plus strand). Cytogenetic location: 11q24.3.
Variant type: Duplication.
Identifiers: ClinVar variation 1373334 (VCV001373334.5).

ClinVar aggregate classification (germline): Uncertain significance (1 of 4 stars; one submission).

Conditions:
Long QT syndrome (LQTS). Identifiers: MedGen C0023976, MeSH D008133, MONDO:0002442. Disease mechanism: loss of function. Inheritance: Various modes of inheritance.

Submission:

Labcorp Genetics (formerly Invitae), Labcorp
Classification: Uncertain significance for Long QT syndrome. Last evaluated: 2023-02-08. Review status: criteria provided, single submitter. Criteria: Invitae Variant Classification Sherloc (09022015). Collection method: clinical testing. Allele origin: germline.
Comment: In summary, the available evidence is currently insufficient to determine the role of this variant in disease. Therefore, it has been classified as a Variant of Uncertain Significance. A copy number gain of the genomic region encompassing the full coding sequence of the KCNJ5 gene has been identified. The boundaries of this event are unknown as they extend beyond the assayed region for this gene and therefore may encompass additional genes. As the precise location of this event is unknown, it may be in tandem or it may be located elsewhere in the genome. This variant has not been reported in the literature in individuals affected with KCNJ5-related conditions.